The following is an entry in ClinVar:

ClinVar aggregate classification (germline): Uncertain significance (1 of 4 stars; one submission).

Allele frequency attached by ClinVar (database versions not stated): gnomAD exomes below 0.00001; ExAC 0.00001.

Submission:

Labcorp Genetics (formerly Invitae), Labcorp
Classification: Uncertain significance. Last evaluated: 2024-12-15. Review status: criteria provided, single submitter. Criteria: Invitae Variant Classification Sherloc (09022015). Collection method: clinical testing. Allele origin: germline.
Comment: This sequence change replaces histidine, which is basic and polar, with leucine, which is neutral and non-polar, at codon 2188 of the FN1 protein (p.His2188Leu). This variant is present in population databases (rs773474183, gnomAD 0.007%). This variant has not been reported in the literature in individuals affected with FN1-related conditions. ClinVar contains an entry for this variant (Variation ID: 2918125). An algorithm developed to predict the effect of missense changes on protein structure and function outputs the following: PolyPhen-2: "Benign". The leucine amino acid residue is found in multiple mammalian species, which suggests that this missense change does not adversely affect protein function. In summary, the available evidence is currently insufficient to determine the role of this variant in disease. Therefore, it has been classified as a Variant of Uncertain Significance.

NM_212482.4(FN1):c.6563A>T (p.His2188Leu)

Gene: FN1 (fibronectin 1; minus strand). Cytogenetic location: 2q35.
Variant type: single nucleotide variant.
Coding change: c.6563A>T on transcript NM_212482.4 (MANE Select); coding-DNA position 6563, A replaced by T.
Protein change: p.His2188Leu; replaces histidine 2188 with leucine.
Molecular consequence: missense variant. On other transcripts: intron variant (10).
Genome position (GRCh38, 1-based): chr2:215,372,060, T>A on the plus strand (A>T on the coding strand, the complement: FN1 is on the minus strand). VCF-style: chr2-215372060-T-A. GRCh37 (hg19) VCF-style: chr2-216236783-T-A.
Other names: c.6293A>T, p.His2098Leu (NM_001365517.2); c.6290A>T, p.His2097Leu (NM_001365518.2); c.6218A>T, p.His2073Leu (NM_001365519.2); c.6215A>T, p.His2072Leu (NM_001365520.2); c.5945A>T, p.His1982Leu (NM_001365523.2); c.6020A>T, p.His2007Leu (NM_212476.3); c.5705-45A>T (NM_212474.3); c.5897-45A>T (NM_001306132.2); and 8 more; short protein forms H2073L, H2007L, H2098L, H1982L, H2072L, H2097L, H2188L.
Identifiers: ClinVar variation 2918125 (VCV002918125.3), dbSNP rs773474183, ClinGen allele CA2093824.